The following is an entry in ClinVar:

ClinVar aggregate classification (germline): Conflicting classifications of pathogenicity. Review status: criteria provided, conflicting classifications (1 of 4 stars). 3 submissions from 3 submitters: Uncertain significance (2); Likely benign (1). Last evaluated 2025-04-08.

Conditions:
Inborn genetic diseases. Identifiers: MedGen C0950123, MeSH D030342.

Allele frequency attached by ClinVar (database versions not stated): ExAC 0.00002; gnomAD exomes 0.00002; gnomAD 0.00004; ESP Exome Variant Server 0.00016.
gnomAD v4.1: 15 of 1,611,530 alleles (0.00093%); highest among the groups gnomAD compares: African/African-American, 0.011%; no homozygotes.

Submissions (3):

Women's Health and Genetics/Laboratory Corporation of America, LabCorp
Classification: Likely benign. Last evaluated: 2025-04-08. Review status: criteria provided, single submitter. Criteria: LabCorp Variant Classification Summary - May 2015. Collection method: clinical testing. Allele origin: germline.
Comment: Variant summary: MYH14 c.3137G>A (p.Arg1046Gln) results in a conservative amino acid change located in the Myosin tail domain (IPR002928) of the encoded protein sequence. Three of five in-silico tools predict a benign effect of the variant on protein function. The variant allele was found at a frequency of 9.3e-06 in 1604572 control chromosomes in the gnomAD database (v4.1 dataset). The observed variant frequency is approximately 15-fold of the estimated maximal expected allele frequency for a pathogenic variant in MYH14 causing Autosomal dominant nonsyndromic hearing loss 4A phenotype (6.3e-07). To our knowledge, no occurrence of c.3137G>A in individuals affected with Autosomal dominant nonsyndromic hearing loss 4A and no experimental evidence demonstrating its impact on protein function have been reported. ClinVar contains an entry for this variant (Variation ID: 1389841). Based on the evidence outlined above, the variant was classified as likely benign.

Ambry Genetics
Classification: Uncertain significance for Inborn genetic diseases. Last evaluated: 2023-02-07. Review status: criteria provided, single submitter. Criteria: Ambry Variant Classification Scheme 2023. Collection method: clinical testing. Allele origin: germline.

Labcorp Genetics (formerly Invitae), Labcorp
Classification: Uncertain significance. Last evaluated: 2022-10-13. Review status: criteria provided, single submitter. Criteria: Invitae Variant Classification Sherloc (09022015). Collection method: clinical testing. Allele origin: germline.
Comment: In summary, the available evidence is currently insufficient to determine the role of this variant in disease. Therefore, it has been classified as a Variant of Uncertain Significance. Advanced modeling of protein sequence and biophysical properties (such as structural, functional, and spatial information, amino acid conservation, physicochemical variation, residue mobility, and thermodynamic stability) performed at Invitae indicates that this missense variant is expected to disrupt MYH14 protein function. ClinVar contains an entry for this variant (Variation ID: 1389841). This variant has not been reported in the literature in individuals affected with MYH14-related conditions. The frequency data for this variant in the population databases is considered unreliable, as metrics indicate poor data quality at this position in the gnomAD database. This sequence change replaces arginine, which is basic and polar, with glutamine, which is neutral and polar, at codon 1046 of the MYH14 protein (p.Arg1046Gln).

NM_001145809.2(MYH14):c.3260G>A (p.Arg1087Gln)

Gene: MYH14 (myosin heavy chain 14; plus strand). Cytogenetic location: 19q13.33.
Variant type: single nucleotide variant.
Coding change: c.3260G>A on transcript NM_001145809.2 (MANE Select); coding-DNA position 3260, G replaced by A.
Protein change: p.Arg1087Gln; replaces arginine 1087 with glutamine.
Molecular consequence: missense variant.
Genome position (GRCh38, 1-based): chr19:50,271,937, G>A. VCF-style: chr19-50271937-G-A. GRCh37 (hg19) VCF-style: chr19-50775194-G-A.
Other names: c.3137G>A (NM_024729.3); c.3161G>A, p.Arg1054Gln (NM_001077186.2); c.3137G>A, p.Arg1046Gln (NM_024729.4); short protein forms R1054Q, R1046Q, R1087Q.
Identifiers: ClinVar variation 1389841 (VCV001389841.9), dbSNP rs370923801, ClinGen allele CA9593162.
Genomic context (GRCh38, chr19:50,271,937, plus strand): 5'-CCGAGTTCTCATCCCAGGCAGCTGAGGAGGAGGAGAAGGTCAAGAGCCTCAATAAGCTAC[G>A]GCTCAAATATGAGGCCACAATCGCAGACATGGAGGGTGAGCTCCCGCCCAGCCAGTAGGG-3'
Protein context (NP_001139281.1, residues 1077-1097): EEKVKSLNKL[Arg1087Gln]LKYEATIADM